The following is an entry in ClinVar:

NC_000022.11:g.40346065_40346067del

Gene: ADSL (adenylosuccinate lyase; plus strand). Cytogenetic location: 22q13.1.
Variant type: Deletion.
Genome position: GRCh38 VCF-style: chr22-40346064-AAGT-A. GRCh37 (hg19) VCF-style: chr22-40742068-AAGT-A.
Identifiers: ClinVar variation 1499875 (VCV001499875.6), dbSNP rs2146609595, ClinGen allele CA2573158345.

ClinVar aggregate classification (germline): Uncertain significance (1 of 4 stars; one submission).

Conditions:
Adenylosuccinate lyase deficiency (ADSLD). Also called: ADSL DEFICIENCY. Identifiers: Orphanet 46, MedGen C0268126, MONDO:0007068, OMIM 103050.

Submission:

Labcorp Genetics (formerly Invitae), Labcorp
Classification: Uncertain significance for Adenylosuccinate lyase deficiency. Last evaluated: 2021-06-18. Review status: criteria provided, single submitter. Criteria: Invitae Variant Classification Sherloc (09022015). Collection method: clinical testing. Allele origin: germline.
Comment: In summary, the available evidence is currently insufficient to determine the role of this variant in disease. Therefore, it has been classified as a Variant of Uncertain Significance. Algorithms developed to predict the effect of sequence changes on RNA splicing suggest that this variant may create or strengthen a splice site, but this prediction has not been confirmed by published transcriptional studies. This variant has not been reported in the literature in individuals with ADSL-related conditions. The frequency data for this variant in the population databases is considered unreliable, as metrics indicate insufficient coverage at this position in the ExAC database. This variant occurs in a non-coding region of the ADSL gene. It does not change the encoded amino acid sequence of the ADSL protein.